The following is an entry in ClinVar:

ClinVar aggregate classification (germline): Uncertain significance (1 of 4 stars; one submission).

Conditions:
Dyskeratosis congenita, autosomal recessive 5 (DKCB5). Identifiers: MedGen C3554656, MONDO:0014076, OMIM 615190.
Pulmonary fibrosis and/or bone marrow failure, Telomere-related, 3. Also called: PULMONARY FIBROSIS AND/OR BONE MARROW FAILURE SYNDROME, TELOMERE-RELATED, 3. Identifiers: Orphanet 2032, MedGen C4225346, MONDO:0014613, OMIM 616373.

Allele frequency attached by ClinVar (database versions not stated): TOPMed below 0.00001.

Submission:

Labcorp Genetics (formerly Invitae), Labcorp
Classification: Uncertain significance for Dyskeratosis congenita, autosomal recessive 5; Pulmonary fibrosis and/or bone marrow failure, Telomere-related, 3. Last evaluated: 2026-01-27. Review status: criteria provided, single submitter. Criteria: Invitae Variant Classification Sherloc (09022015). Collection method: clinical testing. Allele origin: germline.
Comment: This sequence change replaces tryptophan, which is neutral and slightly polar, with arginine, which is basic and polar, at codon 89 of the RTEL1 protein (p.Trp89Arg). This variant is not present in population databases (gnomAD no frequency). This variant has not been reported in the literature in individuals affected with RTEL1-related conditions. ClinVar contains an entry for this variant (Variation ID: 1059566). An algorithm developed to predict the effect of missense changes on protein structure and function (PolyPhen-2) suggests that this variant is likely to be disruptive. In summary, the available evidence is currently insufficient to determine the role of this variant in disease. Therefore, it has been classified as a Variant of Uncertain Significance.

NM_001283009.2(RTEL1):c.265T>C (p.Trp89Arg)

Genes: RTEL1 (regulator of telomere elongation helicase 1; plus strand), RTEL1-TNFRSF6B (RTEL1-TNFRSF6B readthrough (NMD candidate); plus strand). Cytogenetic location: 20q13.33.
Variant type: single nucleotide variant.
Coding change: c.265T>C on transcript NM_001283009.2 (MANE Select); coding-DNA position 265, T replaced by C.
Protein change: p.Trp89Arg; replaces tryptophan 89 with arginine.
Molecular consequence: missense variant. On other transcripts: non-coding transcript variant (1), 5 prime UTR variant (1).
Genome position (GRCh38, 1-based): chr20:63,661,460, T>C. VCF-style: chr20-63661460-T-C. GRCh37 (hg19) VCF-style: chr20-62292813-T-C.
Other names: c.-405T>C (NM_001283010.1); c.265T>C, p.Trp89Arg (NM_016434.4, NM_032957.5); short protein forms W89R.
Identifiers: ClinVar variation 1059566 (VCV001059566.4), dbSNP rs2090019014, ClinGen allele CA409658140.